The following is an entry in ClinVar:

NM_001267550.2(TTN):c.29705T>G (p.Leu9902Arg)

Gene: TTN (titin; minus strand). Cytogenetic location: 2q31.2.
Variant type: single nucleotide variant.
Coding change: c.29705T>G on transcript NM_001267550.2 (MANE Select); coding-DNA position 29705, T replaced by G.
Protein change: p.Leu9902Arg; replaces leucine 9902 with arginine.
Molecular consequence: missense variant. On other transcripts: intron variant (3).
Genome position (GRCh38, 1-based): chr2:178,704,767, A>C on the plus strand (T>G on the coding strand, the complement: TTN is on the minus strand). VCF-style: chr2-178704767-A-C. GRCh37 (hg19) VCF-style: chr2-179569494-A-C.
Other names: p.Leu9585Arg; c.28754T>G, p.Leu9585Arg (NM_001256850.1); c.25973T>G, p.Leu8658Arg (NM_133378.4); c.13282+33315T>G (NM_003319.4); c.13858+33315T>G (NM_133437.4); c.13657+33315T>G (NM_133432.3); short protein forms L8658R, L9585R, L9902R.
Identifiers: ClinVar variation 2438261 (VCV002438261.5), dbSNP rs1430193759, ClinGen allele CA349579324.

ClinVar aggregate classification (germline): Uncertain significance. Review status: criteria provided, multiple submitters, no conflicts (2 of 4 stars). 3 submissions from 3 submitters: Uncertain significance (3). Last evaluated 2024-09-26.

Allele frequency attached by ClinVar (database versions not stated): gnomAD exomes below 0.00001; TOPMed 0.00001.
gnomAD v4.1: 1 of 1,609,626 alleles (0.000062%); highest among the groups gnomAD compares: Non-Finnish European, 0.000085%; no homozygotes.

Submissions (3):

Athena Diagnostics
Classification: Uncertain significance. Last evaluated: 2024-09-26. Review status: criteria provided, single submitter. Criteria: Athena Diagnostics Criteria. Collection method: clinical testing. Allele origin: unknown.
Comment: Available data are insufficient to determine the clinical significance of the variant at this time. This variant has not been reported in large, multi-ethnic general populations. Polyphen and MutationTaster yielded discordant predictions regarding whether this amino acid change is damaging to the protein.

Mayo Clinic Laboratories, Mayo Clinic
Classification: Uncertain significance. Last evaluated: 2024-09-13. Review status: criteria provided, single submitter. Criteria: ACMG Guidelines, 2015. Collection method: clinical testing. Allele origin: germline. Observed: 2 variant alleles.
Comment: PM2

Revvity Omics, Revvity
Classification: Uncertain significance. Last evaluated: 2019-10-05. Review status: criteria provided, single submitter. Criteria: ACMG Guidelines, 2015. Collection method: clinical testing. Allele origin: germline.